The following is an entry in ClinVar:

ClinVar aggregate classification (germline): Uncertain significance (1 of 4 stars; one submission).

Conditions:
Asphyxiating thoracic dystrophy 5 (SRTD5). Also called: SHORT-RIB THORACIC DYSPLASIA 5 WITH OR WITHOUT POLYDACTYLY; SHORT-RIB THORACIC DYSPLASIA 5 WITHOUT POLYDACTYLY. Identifiers: Orphanet 474, MedGen C3280598, MONDO:0013717, OMIM 614376.
Senior-Loken syndrome 8 (SLSN8). Identifiers: Orphanet 3156, MedGen C4225376, MONDO:0014579, OMIM 616307.

Allele frequency attached by ClinVar (database versions not stated): gnomAD exomes below 0.00001.
gnomAD v4.1: 2 of 1,613,388 alleles (0.00012%); highest among the groups gnomAD compares: Non-Finnish European, 0.00017%; no homozygotes.

Submission:

Labcorp Genetics (formerly Invitae), Labcorp
Classification: Uncertain significance for Senior-Loken syndrome 8; Asphyxiating thoracic dystrophy 5. Last evaluated: 2023-08-04. Review status: criteria provided, single submitter. Criteria: Invitae Variant Classification Sherloc (09022015). Collection method: clinical testing. Allele origin: germline.
Comment: This sequence change replaces asparagine, which is neutral and polar, with threonine, which is neutral and polar, at codon 640 of the WDR19 protein (p.Asn640Thr). This variant is not present in population databases (gnomAD no frequency). This variant has not been reported in the literature in individuals affected with WDR19-related conditions. ClinVar contains an entry for this variant (Variation ID: 1351547). Advanced modeling of protein sequence and biophysical properties (such as structural, functional, and spatial information, amino acid conservation, physicochemical variation, residue mobility, and thermodynamic stability) performed at Invitae indicates that this missense variant is not expected to disrupt WDR19 protein function. In summary, the available evidence is currently insufficient to determine the role of this variant in disease. Therefore, it has been classified as a Variant of Uncertain Significance.

NM_025132.4(WDR19):c.1919A>C (p.Asn640Thr)

Gene: WDR19 (WD repeat domain 19; plus strand). Cytogenetic location: 4p14.
Variant type: single nucleotide variant.
Coding change: c.1919A>C on transcript NM_025132.4 (MANE Select); coding-DNA position 1919, A replaced by C.
Protein change: p.Asn640Thr; replaces asparagine 640 with threonine.
Molecular consequence: missense variant.
Genome position (GRCh38, 1-based): chr4:39,228,627, A>C. VCF-style: chr4-39228627-A-C. GRCh37 (hg19) VCF-style: chr4-39230247-A-C.
Other names: c.1439A>C, p.Asn480Thr (NM_001317924.2); short protein forms N480T, N640T.
Identifiers: ClinVar variation 1351547 (VCV001351547.8), dbSNP rs2109358802, ClinGen allele CA356633205.